The following is an entry in ClinVar:

ClinVar aggregate classification (germline): Uncertain significance (1 of 4 stars; one submission).

Submission:

Dasa
Classification: Uncertain significance. Last evaluated: 2026-07-11. Review status: criteria provided, single submitter. Criteria: DASA Assertion Criteria. Collection method: clinical testing. Allele origin: germline.
Comment: NM_001111.5(ADAR):c.2707G>A (p.Gly903Arg) is a missense variant that results in the substitution of glycine with arginine. This variant is rare in population databases. Computational prediction algorithms are consistent with a deleterious effect. The currently available literature and clinical evidence are not sufficient to establish a definitive association between this variant and the reported condition. Therefore, this variant is classified as a variant of uncertain significance.

NM_001111.5(ADAR):c.2707G>A (p.Gly903Arg)

Genes: ADAR (adenosine deaminase RNA specific; minus strand), LOC126805874 (CDK7 strongly-dependent group 2 enhancer GRCh37_chr1:154561176-154562375; plus strand). Cytogenetic location: 1q21.3.
Variant type: single nucleotide variant.
Coding change: c.2707G>A on transcript NM_001111.5 (MANE Select); coding-DNA position 2707, G replaced by A.
Protein change: p.Gly903Arg; replaces glycine 903 with arginine.
Molecular consequence: missense variant.
Genome position (GRCh38, 1-based): chr1:154,589,424, C>T on the plus strand (G>A on the coding strand, the complement: ADAR is on the minus strand). VCF-style: chr1-154589424-C-T. GRCh37 (hg19) VCF-style: chr1-154561900-C-T.
Other names: c.1822G>A, p.Gly608Arg (NM_001193495.2, NM_001365046.1, NM_001365047.1 and 2 more transcripts); c.2734G>A, p.Gly912Arg (NM_001365045.1); c.1744G>A, p.Gly582Arg (NM_001365049.1); c.2629G>A, p.Gly877Arg (NM_015840.4); c.2572G>A, p.Gly858Arg (NM_015841.4); short protein forms G582R, G608R, G858R, G877R, G903R, G912R.
Identifiers: ClinVar variation 5020204 (VCV005020204.1).